The following is an entry in ClinVar:

NM_000038.6(APC):c.2461G>A (p.Val821Ile)

Gene: APC (APC regulator of Wnt signaling pathway; plus strand). Cytogenetic location: 5q22.2.
Variant type: single nucleotide variant.
Coding change: c.2461G>A on transcript NM_000038.6 (MANE Select); coding-DNA position 2461, G replaced by A.
Protein change: p.Val821Ile; replaces valine 821 with isoleucine.
Molecular consequence: missense variant.
Genome position (GRCh38, 1-based): chr5:112,838,055, G>A. VCF-style: chr5-112838055-G-A. GRCh37 (hg19) VCF-style: chr5-112173752-G-A.
Other names: p.V821I:GTC>ATC; c.2461G>A, p.Val821Ile (NM_001127510.3, NM_001354895.2); c.2407G>A, p.Val803Ile (NM_001127511.3); c.2515G>A, p.Val839Ile (NM_001354896.2); c.2491G>A, p.Val831Ile (NM_001354897.2); c.2386G>A, p.Val796Ile (NM_001354898.2); c.2377G>A, p.Val793Ile (NM_001354899.2); c.2338G>A, p.Val780Ile (NM_001354900.2); and 6 more; short protein forms V803I, V821I, V538I, V762I, V780I, V720I, V793I, V796I.
Identifiers: ClinVar variation 181793 (VCV000181793.33), dbSNP rs138498551, ClinGen allele CA007489.

ClinVar aggregate classification (germline): Conflicting classifications of pathogenicity. Review status: criteria provided, conflicting classifications (1 of 4 stars). 9 submissions from 9 submitters: Uncertain significance (5); Benign (1); Likely benign (2). 1 of the submissions does not count toward it. Last evaluated 2025-12-24.

Conditions:
Classic or attenuated familial adenomatous polyposis. Identifiers: MedGen CN372698, MONDO:0021057.
Hereditary cancer-predisposing syndrome. Also called: Tumor predisposition; Hereditary Cancer Syndrome; Hereditary neoplastic syndrome; Neoplastic Syndromes, Hereditary. Identifiers: Orphanet 140162, MedGen C0027672, MeSH D009386, MONDO:0015356.
Familial adenomatous polyposis 1 (FAP1). Also called: FAMILIAL ADENOMATOUS POLYPOSIS 1, ATTENUATED; POLYPOSIS, ADENOMATOUS INTESTINAL. Identifiers: MedGen C2713442, MONDO:0021056, OMIM 175100. Disease mechanism: loss of function.

Allele frequency attached by ClinVar (database versions not stated): gnomAD exomes 0.00002; TOPMed 0.00002; ExAC 0.00004; gnomAD 0.00006 and 0.00007; ESP Exome Variant Server 0.00015; 1000 Genomes Project 0.00060; 1000 Genomes Project 30x 0.00062.
gnomAD v4.1: 19 of 1,614,150 alleles (0.0012%); highest among the groups gnomAD compares: African/African-American, 0.023%; no homozygotes.

Submissions (9):

Labcorp Genetics (formerly Invitae), Labcorp
Classification: Uncertain significance for Familial adenomatous polyposis 1. Last evaluated: 2025-12-24. Review status: criteria provided, single submitter. Criteria: Invitae Variant Classification Sherloc (09022015). Collection method: clinical testing. Allele origin: germline.
Comment: This sequence change replaces valine, which is neutral and non-polar, with isoleucine, which is neutral and non-polar, at codon 821 of the APC protein (p.Val821Ile). This variant is present in population databases (rs138498551, gnomAD 0.03%). This variant has not been reported in the literature in individuals affected with APC-related conditions. ClinVar contains an entry for this variant (Variation ID: 181793). Invitae Evidence Modeling of protein sequence and biophysical properties (such as structural, functional, and spatial information, amino acid conservation, physicochemical variation, residue mobility, and thermodynamic stability) indicates that this missense variant is not expected to disrupt APC protein function with a negative predictive value of 95%. In summary, the available evidence is currently insufficient to determine the role of this variant in disease. Therefore, it has been classified as a Variant of Uncertain Significance.

Myriad Genetics, Inc.
Classification: Likely benign for Familial adenomatous polyposis 1. Last evaluated: 2025-01-29. Review status: criteria provided, single submitter. Criteria: Myriad Autosomal Dominant, Autosomal Recessive and X-Linked Classification Criteria (2023). Collection method: clinical testing. Allele origin: unknown.
Comment: This variant is considered likely benign. This variant has been observed at a population frequency that is significantly greater than expected given the associated disease prevalence and penetrance.

Color Diagnostics, LLC DBA Color Health
Classification: Likely benign for Hereditary cancer-predisposing syndrome. Last evaluated: 2024-12-23. Review status: criteria provided, single submitter. Criteria: ACMG Guidelines, 2015. Collection method: clinical testing. Allele origin: germline.

All of Us Research Program, National Institutes of Health
Classification: Uncertain significance for Classic or attenuated familial adenomatous polyposis. Last evaluated: 2024-09-23. Review status: criteria provided, single submitter. Criteria: ACMG Guidelines, 2015. Collection method: clinical testing. Allele origin: germline. Inheritance: Autosomal dominant inheritance. Observed: 6 variant alleles, 6 heterozygotes.
Comment: This missense variant replaces valine with isoleucine at codon 821 of the APC protein. Computational prediction suggests that this variant may not impact protein structure and function (internally defined REVEL score threshold <= 0.5, PMID: 27666373). To our knowledge, functional studies have not been reported for this variant. This variant has not been reported in individuals affected with APC-related disorders in the literature. This variant has been identified in 6/282328 chromosomes in the general population by the Genome Aggregation Database (gnomAD). The available evidence is insufficient to determine the role of this variant in disease conclusively. Therefore, this variant is classified as a Variant of Uncertain Significance.

This study involves interpretation of variants in research participants for the purpose of population health screening. Participant phenotype was not available at the time of variant classification. Additional details can be found in publication PMID: 35346344, PMCID: PMC8962531

GeneDx
Classification: Uncertain significance. Last evaluated: 2024-06-09. Review status: criteria provided, single submitter. Criteria: GeneDx Variant Classification Process June 2021. Collection method: clinical testing. Allele origin: germline. Affected: yes.
Comment: Has not been previously published as pathogenic or benign to our knowledge; In silico analysis indicates that this missense variant does not alter protein structure/function

Baylor Genetics
Classification: Uncertain significance for Familial adenomatous polyposis 1. Last evaluated: 2024-02-26. Review status: criteria provided, single submitter. Criteria: ACMG Guidelines, 2015. Collection method: clinical testing. Allele origin: unknown.

Ambry Genetics
Classification: Benign for Hereditary cancer-predisposing syndrome. Last evaluated: 2022-11-08. Review status: criteria provided, single submitter. Criteria: Ambry Variant Classification Scheme 2023. Collection method: clinical testing. Allele origin: germline.

Women's Health and Genetics/Laboratory Corporation of America, LabCorp
Classification: Uncertain significance. Last evaluated: 2018-06-15. Review status: criteria provided, single submitter. Criteria: LabCorp Variant Classification Summary - May 2015. Collection method: clinical testing. Allele origin: germline.
Comment: Variant summary: APC c.2461G>A (p.Val821Ile) results in a conservative amino acid change in the encoded protein sequence. Three of five in-silico tools predict a damaging effect of the variant on protein function. The variant allele was found at a frequency of 4.1e-05 in 121132 control chromosomes. The available data on variant occurrences in the general population are insufficient to allow any conclusion about variant significance. To our knowledge, no occurrence of c.2461G>A in individuals affected with Familial Adenomatous Polyposis and no experimental evidence demonstrating its impact on protein function have been reported. Four clinical diagnostic laboratories have submitted clinical-significance assessments for this variant to ClinVar after 2014 without evidence for independent evaluation. All laboratories classified the variant as uncertain significance. Based on the evidence outlined above, the variant was classified as uncertain significance.

Counsyl
Classification: Uncertain significance for Familial adenomatous polyposis 1. Last evaluated: 2016-06-14. Review status: no assertion criteria provided. Collection method: clinical testing. Allele origin: unknown. Not counted in ClinVar's aggregate classification.